The following is an entry in ClinVar:

ClinVar aggregate classification (germline): Likely pathogenic (1 of 4 stars; one submission).

Conditions:
Autosomal recessive polycystic kidney disease (ARPKD). Also called: AR polycystic kidney disease. Identifiers: Orphanet 731, Orphanet 8378, MedGen C0085548, MeSH D017044, MONDO:0009889.

Submission:

Natera, Inc.
Classification: Likely pathogenic for Autosomal recessive polycystic kidney disease. Last evaluated: 2025-12-02. Review status: criteria provided, single submitter. Criteria: Natera Variant Classification Schema (03/2026). Collection method: clinical testing. Allele origin: germline.
Comment: The c.7680_7684del variant in PKHD1 is a frameshift variant predicted to shift the reading frame beginning at codon 2561 and leads to a stop codon 21 codons downstream. This variant is expected to result in nonsense mediated decay, truncation, or a dysfunctional protein product. This variant is rare in the general population with a frequency below the threshold expected for the associated phenotype(s). Given the available evidence, this variant is classified as Likely Pathogenic.

NM_138694.4(PKHD1):c.7680_7684del (p.His2561fs)

Gene: PKHD1 (PKHD1 ciliary IPT domain containing fibrocystin/polyductin; minus strand). Cytogenetic location: 6p12.2.
Variant type: Deletion.
Coding change: c.7680_7684del on transcript NM_138694.4 (MANE Select); coding-DNA positions 7680 to 7684, 5 bases deleted (CCATG; older notation c.7680_7684delCCATG).
Protein change: p.His2561fs; shifts the reading frame from histidine 2561.
Molecular consequence: frameshift variant.
Genome position (GRCh38, 1-based): chr6:51,867,912-51,867,916, CATGG deleted on the plus strand (CCATG on the coding strand, the reverse complement: PKHD1 is on the minus strand). VCF-style (leftmost placement, unchanged base first): chr6-51867911-CCATGG-C. GRCh37 (hg19) VCF-style: chr6-51732709-CCATGG-C.
Other names: c.7680_7684del, p.His2561fs (NM_170724.3); short protein forms H2561fs.
Identifiers: ClinVar variation 4816752 (VCV004816752.1).